The following is an entry in ClinVar:

ClinVar aggregate classification (germline): Pathogenic (1 of 4 stars; one submission).

Conditions:
Developmental delay, hypotonia, musculoskeletal defects, and behavioral abnormalities. Identifiers: MedGen C5562012, MONDO:0859202, OMIM 619595.

Submission:

Clinical Genetics Laboratory, University Hospital Schleswig-Holstein
Classification: Pathogenic for Developmental delay, hypotonia, musculoskeletal defects, and behavioral abnormalities. Last evaluated: 2025-11-19. Review status: criteria provided, single submitter. Criteria: ACMG Guidelines, 2015. Collection method: clinical testing. Allele origin: germline. Affected: yes. Observed: 1 heterozygote.
Comment: ACMG criteria applied: PM2, PVS1

NM_006662.3(SRCAP):c.5238del (p.Ser1747fs)

Gene: SRCAP (Snf2 related CREBBP activator protein; plus strand). Cytogenetic location: 16p11.2.
Variant type: Deletion.
Coding change: c.5238del on transcript NM_006662.3 (MANE Select); coding-DNA position 5238, one base deleted (G; older notation c.5238delG).
Protein change: p.Ser1747fs; shifts the reading frame from serine 1747.
Molecular consequence: frameshift variant.
Genome position (GRCh38, 1-based): chr16:30,724,662, G deleted. VCF-style (leftmost placement, unchanged base first): chr16-30724661-TG-T. GRCh37 (hg19) VCF-style: chr16-30735982-TG-T.
Other names: short protein forms S1747fs.
Identifiers: ClinVar variation 4891288 (VCV004891288.1).